The following is an entry in ClinVar:

ClinVar aggregate classification (germline): Pathogenic. Review status: reviewed by expert panel (3 of 4 stars). 4 submissions from 3 submitters: Pathogenic (1). 3 of the submissions do not count toward it. Last evaluated 2025-09-05.

Conditions:
Retinal dystrophy. Also called: Inherited retinal dystrophy. Identifiers: Orphanet 71862, MedGen C0854723, MeSH D058499, MONDO:0019118, HP:0000556.
RPGR-related retinopathy. Also called: RPGR retinopathy. Identifiers: MedGen CN305589, MONDO:0100437.
Retinitis pigmentosa (RP). Identifiers: Orphanet 791, MedGen C0035334, MeSH D012174, MONDO:0019200, OMIM 268000. Inheritance: Autosomal dominant, autosomal recessive and X linked inheritance.
Retinitis pigmentosa 3. Also called: CHOROIDORETINAL DEGENERATION WITH RETINAL REFLEX IN HETEROZYGOUS WOMEN. Identifiers: Orphanet 791, MedGen C1845667, MONDO:0010227, OMIM 300029.

Submissions (4):

ClinGen X-linked Inherited Retinal Disease Variant Curation Expert Panel, ClinGen
Classification: Pathogenic for RPGR-related retinopathy. Last evaluated: 2025-09-05. Review status: reviewed by expert panel. Criteria: ClinGen X LinkedIRD ACMG Specifications RPGR V1.0.0. Collection method: curation. Allele origin: germline. Inheritance: X-linked inheritance.
Comment: NM_001034853.2(RPGR):c.2516_2520del (p.Glu839GlyfsTer?) is a frameshift variant due to a 5-nucleotide deletion in exon 15 of 15 that introduces a premature stop codon and is predicted to disrupt a critical C-terminal region required for proper glutamylation of RPGR (PVS1, PMID: 36445968). This variant is absent from gnomAD v4.1.0 (PM2_Supporting). This variant has been reported in at least 2 apparently unrelated probands meeting one of the PS4 requirements of a male with some functional vision impairment by age 30 years and/or decreased or absent electroretinogram responses, or a female with functional visual abnormality and documentation of a male relative affected with retinitis pigmentosa (PMID: 23681342, PMID: 10937588, PMID: 17325176, PS4_Supporting). In summary, this variant is classified as pathogenic for RPGR-related retinopathy based on the ClinGen X-linked Inherited Retinal Disease Expert Panel Specifications to the ACMG/AMP Variant Interpretation Guidelines for RPGR Version 1.0.0; PVS1, PM2_Supporting, and PS4_Supporting.

Broad Center for Mendelian Genomics, Broad Institute of MIT and Harvard
Classification: Likely pathogenic for Retinitis pigmentosa. Last evaluated: 2021-04-01. Review status: criteria provided, single submitter. Criteria: ACMG Guidelines, 2015. Collection method: curation. Allele origin: germline. Inheritance: X-linked inheritance. Affected: yes. Not counted in ClinVar's aggregate classification.
Comment: Through a review of available evidence we were able to apply the following criteria: PVS1, PM2. Based on this evidence we have classified this variant as Likely Pathogenic. If you have any questions about the classification please reach out to the Pierce Lab.

Blueprint Genetics
Classification: Pathogenic for Retinal dystrophy. Last evaluated: 2019-02-16. Review status: criteria provided, single submitter. Criteria: Blueprint Genetics Variant Classification Scheme. Collection method: clinical testing. Allele origin: germline. Affected: yes. Not counted in ClinVar's aggregate classification.

Blueprint Genetics
Classification: Pathogenic for Retinitis pigmentosa 3. Review status: no assertion criteria provided. Collection method: clinical testing. Allele origin: germline. Affected: yes. Not counted in ClinVar's aggregate classification.

Literature cited by the submitters: PubMed 34906470 (cited by Broad Center for Mendelian Genomics, Broad Institute of MIT and Harvard).

NM_001034853.2(RPGR):c.2516_2520del (p.Glu839fs)

Gene: RPGR (retinitis pigmentosa GTPase regulator; minus strand). Cytogenetic location: Xp11.4.
Variant type: Deletion.
Coding change: c.2516_2520del on transcript NM_001034853.2 (MANE Select); coding-DNA positions 2516 to 2520, 5 bases deleted (AAGGG; older notation c.2516_2520delAAGGG).
Protein change: p.Glu839fs; shifts the reading frame from glutamic acid 839.
Molecular consequence: frameshift variant. On other transcripts: intron variant (8).
Genome position (GRCh38, 1-based): chrX:38,286,479-38,286,483, CCCTT deleted on the plus strand (AAGGG on the coding strand, the reverse complement: RPGR is on the minus strand); deleting any 5 consecutive bases within chrX:38,286,479-38,286,485 gives the same sequence; the c. name uses the placement nearest the transcript's 3' end. VCF-style (leftmost placement, unchanged base first): chrX-38286478-CCCCTT-C. GRCh37 (hg19) VCF-style: chrX-38145731-CCCCTT-C.
Other names: NM_001034853.2(RPGR):c.2516_2520del; p.Glu839fs; c.1569+4476_1569+4480del (NM_001367249.1, NM_001367250.1); c.1902+611_1902+615del (NM_001367245.1); c.1386+4476_1386+4480del (NM_001367251.1); c.1719+611_1719+615del (NM_001367246.1); c.1572+4476_1572+4480del (NM_001367247.1); c.1905+611_1905+615del (NM_000328.3); and 1 more; short protein forms E839fs.
Identifiers: ClinVar variation 865886 (VCV000865886.5), dbSNP rs2067176379, ClinGen allele CA916083898.